The following is an entry in ClinVar:

NM_006493.4(CLN5):c.19A>T (p.Thr7Ser)

Gene: CLN5 (CLN5 lysosomal BMP synthase; plus strand). Cytogenetic location: 13q22.3.
Variant type: single nucleotide variant.
Coding change: c.19A>T on transcript NM_006493.4 (MANE Select); coding-DNA position 19, A replaced by T.
Protein change: p.Thr7Ser; replaces threonine 7 with serine.
Molecular consequence: missense variant.
Genome position (GRCh38, 1-based): chr13:76,992,117, A>T. VCF-style: chr13-76992117-A-T. GRCh37 (hg19) VCF-style: chr13-77566252-A-T.
Other names: c.19A>T, p.Thr7Ser (NM_001366624.2); short protein forms T7S.
Identifiers: ClinVar variation 1422636 (VCV001422636.4), dbSNP rs541501705, ClinGen allele CA388306263.

ClinVar aggregate classification (germline): Uncertain significance (1 of 4 stars; one submission).

Conditions:
Neuronal ceroid lipofuscinosis. Also called: Neuronal Ceroid Lipofuscinoses. Identifiers: Orphanet 216, Orphanet 79263, MedGen C0027877, MONDO:0016295. Disease mechanism: loss of function.

Submission:

Labcorp Genetics (formerly Invitae), Labcorp
Classification: Uncertain significance for Neuronal ceroid lipofuscinosis. Last evaluated: 2025-02-24. Review status: criteria provided, single submitter. Criteria: Invitae Variant Classification Sherloc (09022015). Collection method: clinical testing. Allele origin: germline.
Comment: This sequence change replaces threonine, which is neutral and polar, with serine, which is neutral and polar, at codon 56 of the CLN5 protein (p.Thr56Ser). This variant is not present in population databases (gnomAD no frequency). This variant has not been reported in the literature in individuals affected with CLN5-related conditions. ClinVar contains an entry for this variant (Variation ID: 1422636). Invitae Evidence Modeling of protein sequence and biophysical properties (such as structural, functional, and spatial information, amino acid conservation, physicochemical variation, residue mobility, and thermodynamic stability) has been performed for this missense variant. However, the output from this modeling did not meet the statistical confidence thresholds required to predict the impact of this variant on CLN5 protein function. In summary, the available evidence is currently insufficient to determine the role of this variant in disease. Therefore, it has been classified as a Variant of Uncertain Significance.